The following is an entry in ClinVar:

ClinVar aggregate classification (germline): Uncertain significance. Review status: criteria provided, multiple submitters, no conflicts (2 of 4 stars). 2 submissions from 2 submitters: Uncertain significance (2). Last evaluated 2022-09-28.

Conditions:
Haddad syndrome (OHD). Also called: Ondine-Hirschsprung disease. Identifiers: Orphanet 99803, MedGen C1859049, MONDO:0020493.
Hereditary cancer-predisposing syndrome. Also called: Tumor predisposition; Hereditary neoplastic syndrome; Neoplastic Syndromes, Hereditary; Hereditary Cancer Syndrome. Identifiers: Orphanet 140162, MedGen C0027672, MeSH D009386, MONDO:0015356.

Submissions (2):

Ambry Genetics
Classification: Uncertain significance for Hereditary cancer-predisposing syndrome. Last evaluated: 2022-09-28. Review status: criteria provided, single submitter. Criteria: Ambry Variant Classification Scheme 2023. Collection method: clinical testing. Allele origin: germline.
Comment: The p.A227T variant (also known as c.679G>A), located in coding exon 3 of the PHOX2B gene, results from a G to A substitution at nucleotide position 679. The alanine at codon 227 is replaced by threonine, an amino acid with similar properties. This amino acid position is conserved. In addition, this alteration is predicted to be tolerated by in silico analysis. Since supporting evidence is limited at this time, the clinical significance of this alteration remains unclear.

Labcorp Genetics (formerly Invitae), Labcorp
Classification: Uncertain significance for Haddad syndrome. Last evaluated: 2020-02-17. Review status: criteria provided, single submitter. Criteria: Invitae Variant Classification Sherloc (09022015). Collection method: clinical testing. Allele origin: germline.
Comment: In summary, the available evidence is currently insufficient to determine the role of this variant in disease. Therefore, it has been classified as a Variant of Uncertain Significance. This variant has not been reported in the literature in individuals with PHOX2B-related conditions. The frequency data for this variant in the population databases is considered unreliable, as metrics indicate insufficient coverage at this position in the ExAC database. This sequence change replaces alanine with threonine at codon 227 of the PHOX2B protein (p.Ala227Thr). The alanine residue is moderately conserved and there is a small physicochemical difference between alanine and threonine.

NM_003924.4(PHOX2B):c.679G>A (p.Ala227Thr)

Gene: PHOX2B (paired like homeobox 2B; minus strand). Cytogenetic location: 4p13.
Variant type: single nucleotide variant.
Coding change: c.679G>A on transcript NM_003924.4 (MANE Select); coding-DNA position 679, G replaced by A.
Protein change: p.Ala227Thr; replaces alanine 227 with threonine.
Molecular consequence: missense variant.
Genome position (GRCh38, 1-based): chr4:41,746,073, C>T on the plus strand (G>A on the coding strand, the complement: PHOX2B is on the minus strand). VCF-style: chr4-41746073-C-T. GRCh37 (hg19) VCF-style: chr4-41748090-C-T.
Other names: short protein forms A227T.
Identifiers: ClinVar variation 845105 (VCV000845105.12), dbSNP rs778799670, ClinGen allele CA356737417.